The following is an entry in ClinVar:

ClinVar aggregate classification (germline): Uncertain significance (1 of 4 stars; one submission).

Conditions:
Hereditary cancer-predisposing syndrome. Also called: Tumor predisposition; Hereditary Cancer Syndrome; Neoplastic Syndromes, Hereditary; Hereditary neoplastic syndrome. Identifiers: Orphanet 140162, MedGen C0027672, MeSH D009386, MONDO:0015356.

Submission:

Ambry Genetics
Classification: Uncertain significance for Hereditary cancer-predisposing syndrome. Last evaluated: 2026-01-09. Review status: criteria provided, single submitter. Criteria: Ambry Variant Classification Scheme 2023. Collection method: clinical testing. Allele origin: germline.
Comment: The c.6005-3C>T intronic variant results from a C to T substitution 3 nucleotides upstream from coding exon 44 in the POLE gene. This nucleotide position is highly conserved in available vertebrate species. In silico splice site analysis for this alteration is inconclusive. Based on the available evidence, the clinical significance of this variant remains unclear.

NM_006231.4(POLE):c.6005-3C>T

Gene: POLE (DNA polymerase epsilon, catalytic subunit; minus strand). Cytogenetic location: 12q24.33.
Variant type: single nucleotide variant.
Coding change: c.6005-3C>T on transcript NM_006231.4 (MANE Select); 3 bases into the intron before coding-DNA position 6005, C replaced by T.
Molecular consequence: intron variant.
Genome position (GRCh38, 1-based): chr12:132,632,798, G>A on the plus strand (C>T on the coding strand, the complement: POLE is on the minus strand). VCF-style: chr12-132632798-G-A. GRCh37 (hg19) VCF-style: chr12-133209384-G-A.
Identifiers: ClinVar variation 484529 (VCV000484529.7), dbSNP rs1555221015, ClinGen allele CA658658205.
Genomic context (GRCh38, chr12:132,632,798, plus strand): 5'-CCTGGAGCACTGCGCCTCAGCCCGTCCTTCATGCAGTGGTACACGGCCACGATGTACGCT[G>A]TGGAGAGGCACACACACCACAGGCCCTGAGTCGGGCTGCTGCAAACACCCTAGAATCTGA-3'